The following is an entry in ClinVar:

NM_022166.4(XYLT1):c.1259T>C (p.Ile420Thr)

Gene: XYLT1 (xylosyltransferase 1; minus strand). Cytogenetic location: 16p12.3.
Variant type: single nucleotide variant.
Coding change: c.1259T>C on transcript NM_022166.4 (MANE Select); coding-DNA position 1259, T replaced by C.
Protein change: p.Ile420Thr; replaces isoleucine 420 with threonine.
Molecular consequence: missense variant.
Genome position (GRCh38, 1-based): chr16:17,198,242, A>G on the plus strand (T>C on the coding strand, the complement: XYLT1 is on the minus strand). VCF-style: chr16-17198242-A-G. GRCh37 (hg19) VCF-style: chr16-17292099-A-G.
Other names: short protein forms I420T.
Identifiers: ClinVar variation 1481595 (VCV001481595.6), dbSNP rs747349926, ClinGen allele CA7927981.

ClinVar aggregate classification (germline): Uncertain significance (1 of 4 stars; one submission).

Conditions:
Desbuquois dysplasia 1 (DBQD1). Also called: MICROMELIC DWARFISM WITH VERTEBRAL AND METAPHYSEAL ABNORMALITIES AND ADVANCED CARPOTARSAL OSSIFICATION; DESBUQUOIS DYSPLASIA 1, KIM VARIANT. Identifiers: Orphanet 1425, MedGen C4012146, MONDO:0009629, OMIM 251450.

Allele frequency attached by ClinVar (database versions not stated): TOPMed below 0.00001; ExAC 0.00001; gnomAD exomes 0.00002.
gnomAD v4.1: 34 of 1,614,158 alleles (0.0021%); highest among the groups gnomAD compares: Non-Finnish European, 0.0027%; no homozygotes.

Submission:

Labcorp Genetics (formerly Invitae), Labcorp
Classification: Uncertain significance for Desbuquois dysplasia 1. Last evaluated: 2022-10-18. Review status: criteria provided, single submitter. Criteria: Invitae Variant Classification Sherloc (09022015). Collection method: clinical testing. Allele origin: germline.
Comment: In summary, the available evidence is currently insufficient to determine the role of this variant in disease. Therefore, it has been classified as a Variant of Uncertain Significance. Advanced modeling of protein sequence and biophysical properties (such as structural, functional, and spatial information, amino acid conservation, physicochemical variation, residue mobility, and thermodynamic stability) performed at Invitae indicates that this missense variant is expected to disrupt XYLT1 protein function. ClinVar contains an entry for this variant (Variation ID: 1481595). This variant has not been reported in the literature in individuals affected with XYLT1-related conditions. This variant is present in population databases (rs747349926, gnomAD 0.007%). This sequence change replaces isoleucine, which is neutral and non-polar, with threonine, which is neutral and polar, at codon 420 of the XYLT1 protein (p.Ile420Thr).